The following is an entry in ClinVar:

NM_000094.4(COL7A1):c.6241C>T (p.Pro2081Ser)

Gene: COL7A1 (collagen type VII alpha 1 chain; minus strand). Cytogenetic location: 3p21.31.
Variant type: single nucleotide variant.
Coding change: c.6241C>T on transcript NM_000094.4 (MANE Select); coding-DNA position 6241, C replaced by T.
Protein change: p.Pro2081Ser; replaces proline 2081 with serine.
Molecular consequence: missense variant.
Genome position (GRCh38, 1-based): chr3:48,575,102, G>A on the plus strand (C>T on the coding strand, the complement: COL7A1 is on the minus strand). VCF-style: chr3-48575102-G-A. GRCh37 (hg19) VCF-style: chr3-48612535-G-A.
Other names: short protein forms P2081S.
Identifiers: ClinVar variation 3718509 (VCV003718509.2).

ClinVar aggregate classification (germline): Uncertain significance (1 of 4 stars; one submission).

gnomAD v4.1: 9 of 1,613,732 alleles (0.00056%); highest among the groups gnomAD compares: Non-Finnish European, 0.00076%; no homozygotes.

Submission:

Labcorp Genetics (formerly Invitae), Labcorp
Classification: Uncertain significance. Last evaluated: 2024-03-07. Review status: criteria provided, single submitter. Criteria: Invitae Variant Classification Sherloc (09022015). Collection method: clinical testing. Allele origin: germline.
Comment: This sequence change replaces proline, which is neutral and non-polar, with serine, which is neutral and polar, at codon 2081 of the COL7A1 protein (p.Pro2081Ser). This variant is present in population databases (rs772966335, gnomAD 0.004%). This variant has not been reported in the literature in individuals affected with COL7A1-related conditions. Advanced modeling of protein sequence and biophysical properties (such as structural, functional, and spatial information, amino acid conservation, physicochemical variation, residue mobility, and thermodynamic stability) performed at Invitae indicates that this missense variant is not expected to disrupt COL7A1 protein function with a negative predictive value of 95%. In summary, the available evidence is currently insufficient to determine the role of this variant in disease. Therefore, it has been classified as a Variant of Uncertain Significance.